The following is an entry in ClinVar:

ClinVar aggregate classification (germline): Benign (0 of 4 stars; one submission).

Conditions:
ZFHX3-related disorder. Also called: ZFHX3-related condition.

Allele frequency attached by ClinVar (database versions not stated): 1000 Genomes Project 0.02137; 1000 Genomes Project 30x 0.02233; TOPMed 0.04552; gnomAD 0.05001; ExAC 0.05160; ESP Exome Variant Server 0.05686; gnomAD exomes 0.06139.
gnomAD v4.1: 97,096 of 1,614,142 alleles (6%); highest among the groups gnomAD compares: Non-Finnish European, 6.9%; 3,471 homozygotes.

Submission:

PreventionGenetics, part of Exact Sciences
Classification: Benign for ZFHX3-related condition. Last evaluated: 2019-10-15. Review status: no assertion criteria provided. Collection method: clinical testing. Allele origin: germline.
Comment: This variant is classified as benign based on ACMG/AMP sequence variant interpretation guidelines (Richards et al. 2015 PMID: 25741868, with internal and published modifications).

NM_006885.4(ZFHX3):c.2916G>A (p.Ser972=)

Gene: ZFHX3 (zinc finger homeobox 3; minus strand). Cytogenetic location: 16q22.3.
Variant type: single nucleotide variant.
Coding change: c.2916G>A on transcript NM_006885.4 (MANE Select); coding-DNA position 2916, G replaced by A.
Protein change: p.Ser972=; no amino-acid change (serine 972 retained).
Molecular consequence: synonymous variant.
Genome position (GRCh38, 1-based): chr16:72,950,769, C>T on the plus strand (G>A on the coding strand, the complement: ZFHX3 is on the minus strand). VCF-style: chr16-72950769-C-T. GRCh37 (hg19) VCF-style: chr16-72984668-C-T.
Other names: c.174G>A, p.Ser58= (NM_001164766.2); c.2916G>A, p.Ser972= (NM_001386735.1).
Identifiers: ClinVar variation 3056902 (VCV003056902.2), dbSNP rs2228200, ClinGen allele CA8164251.